The following is an entry in ClinVar:

ClinVar aggregate classification (germline): Likely benign. Review status: criteria provided, multiple submitters, no conflicts (2 of 4 stars). 2 submissions from 2 submitters: Likely benign (2). Last evaluated 2024-11-27.

Allele frequency attached by ClinVar (database versions not stated): 1000 Genomes Project 30x 0.00016; 1000 Genomes Project 0.00020; gnomAD 0.00067; TOPMed 0.00067; ESP Exome Variant Server 0.00089; ExAC 0.00099; gnomAD exomes 0.00106.
gnomAD v4.1: 1,649 of 1,613,744 alleles (0.1%); highest among the groups gnomAD compares: Middle Eastern, 0.93%; 3 homozygotes.

Submissions (2):

Blueprint Genetics
Classification: Likely benign. Last evaluated: 2024-11-27. Review status: criteria provided, single submitter. Criteria: ACMG Guidelines, 2015. Collection method: clinical testing. Allele origin: germline.

CeGaT Center for Human Genetics Tuebingen
Classification: Likely benign. Last evaluated: 2024-11-01. Review status: criteria provided, single submitter. Criteria: CeGaT Center For Human Genetics Tuebingen Variant Classification Criteria Version 2. Collection method: clinical testing. Allele origin: germline. Affected: yes. Observed: 2 variant alleles.
Comment: HYDIN: BP4, BP7

NM_001270974.2(HYDIN):c.14619C>T (p.Ile4873=)

Gene: HYDIN (HYDIN axonemal central pair apparatus protein; minus strand). Cytogenetic location: 16q22.2.
Variant type: single nucleotide variant.
Coding change: c.14619C>T on transcript NM_001270974.2 (MANE Select); coding-DNA position 14619, C replaced by T.
Protein change: p.Ile4873=; no amino-acid change (isoleucine 4873 retained).
Molecular consequence: synonymous variant.
Genome position (GRCh38, 1-based): chr16:70,818,381, G>A on the plus strand (C>T on the coding strand, the complement: HYDIN is on the minus strand). VCF-style: chr16-70818381-G-A. GRCh37 (hg19) VCF-style: chr16-70852284-G-A.
Identifiers: ClinVar variation 2646690 (VCV002646690.25), dbSNP rs369627334, ClinGen allele CA8148420.